The following is an entry in ClinVar:

NM_001365276.2(TNXB):c.6192G>A (p.Met2064Ile)

Gene: TNXB (tenascin XB; minus strand). Cytogenetic location: 6p21.33.
Variant type: single nucleotide variant.
Coding change: c.6192G>A on transcript NM_001365276.2 (MANE Select); coding-DNA position 6192, G replaced by A.
Protein change: p.Met2064Ile; replaces methionine 2064 with isoleucine.
Molecular consequence: missense variant.
Genome position (GRCh38, 1-based): chr6:32,068,418, C>T on the plus strand (G>A on the coding strand, the complement: TNXB is on the minus strand). VCF-style: chr6-32068418-C-T. GRCh37 (hg19) VCF-style: chr6-32036195-C-T.
Other names: c.6192G>A, p.Met2064Ile (NM_019105.8); short protein forms M2064I.
Identifiers: ClinVar variation 2565760 (VCV002565760.2), dbSNP rs1182736987, ClinGen allele CA363402109.

ClinVar aggregate classification (germline): Uncertain significance (1 of 4 stars; one submission).

Conditions:
Cardiovascular phenotype. Identifiers: MedGen CN230736.

Allele frequency attached by ClinVar (database versions not stated): gnomAD exomes below 0.00001.
gnomAD v4.1: 4 of 1,613,876 alleles (0.00025%); highest among the groups gnomAD compares: Middle Eastern, 0.016%; no homozygotes.

Submission:

Ambry Genetics
Classification: Uncertain significance for Cardiovascular phenotype. Last evaluated: 2023-06-01. Review status: criteria provided, single submitter. Criteria: Ambry Variant Classification Scheme 2023. Collection method: clinical testing. Allele origin: germline.
Comment: The p.M2064I variant (also known as c.6192G>A), located in coding exon 16 of the TNXB gene, results from a G to A substitution at nucleotide position 6192. The methionine at codon 2064 is replaced by isoleucine, an amino acid with highly similar properties. This amino acid position is conserved. In addition, this alteration is predicted to be tolerated by in silico analysis. Since supporting evidence is limited at this time, the clinical significance of this alteration remains unclear.